The following is an entry in ClinVar:

NM_000238.4(KCNH2):c.2230C>G (p.Arg744Gly)

Gene: KCNH2 (potassium voltage-gated channel subfamily H member 2; minus strand). Cytogenetic location: 7q36.1.
Variant type: single nucleotide variant.
Coding change: c.2230C>G on transcript NM_000238.4 (MANE Select); coding-DNA position 2230, C replaced by G.
Protein change: p.Arg744Gly; replaces arginine 744 with glycine.
Molecular consequence: missense variant.
Genome position (GRCh38, 1-based): chr7:150,950,336, G>C on the plus strand (C>G on the coding strand, the complement: KCNH2 is on the minus strand). VCF-style: chr7-150950336-G-C. GRCh37 (hg19) VCF-style: chr7-150647424-G-C.
Other names: c.1210C>G, p.Arg404Gly (NM_001204798.2, NM_172057.3); c.1942C>G, p.Arg648Gly (NM_001406753.1, NM_001406756.1); c.2053C>G, p.Arg685Gly (NM_001406755.1); c.1930C>G, p.Arg644Gly (NM_001406757.1); c.2230C>G, p.Arg744Gly (NM_172056.3); short protein forms R404G, R744G, R644G, R648G, R685G.
Identifiers: ClinVar variation 1515578 (VCV001515578.7), dbSNP rs189014161, ClinGen allele CA031395.

ClinVar aggregate classification (germline): Uncertain significance. Review status: criteria provided, multiple submitters, no conflicts (2 of 4 stars). 2 submissions from 2 submitters: Uncertain significance (2). Last evaluated 2025-12-30.

Conditions:
Long QT syndrome (LQTS). Identifiers: MedGen C0023976, MeSH D008133, MONDO:0002442. Disease mechanism: loss of function. Inheritance: Various modes of inheritance.
Cardiac arrhythmia. Also called: Arrhythmia; Cardiac rhythm disease. Identifiers: MedGen C0003811, MONDO:0007263, HP:0011675.

Allele frequency attached by ClinVar (database versions not stated): 1000 Genomes Project 30x 0.00062; 1000 Genomes Project 0.00040; gnomAD 0.00001.
gnomAD v4.1: 4 of 1,613,482 alleles (0.00025%); highest among the groups gnomAD compares: Admixed American, 0.0033%; no homozygotes.

Submissions (2):

Labcorp Genetics (formerly Invitae), Labcorp
Classification: Uncertain significance for Long QT syndrome. Last evaluated: 2025-12-30. Review status: criteria provided, single submitter. Criteria: Invitae Variant Classification Sherloc (09022015). Collection method: clinical testing. Allele origin: germline.
Comment: This sequence change replaces arginine, which is basic and polar, with glycine, which is neutral and non-polar, at codon 744 of the KCNH2 protein (p.Arg744Gly). This variant is present in population databases (rs189014161, gnomAD 0.006%). This variant has not been reported in the literature in individuals affected with KCNH2-related conditions. ClinVar contains an entry for this variant (Variation ID: 1515578). An algorithm developed to predict the effect of missense changes on protein structure and function (PolyPhen-2) suggests that this variant is likely to be tolerated. This variant disrupts the p.Arg744 amino acid residue in KCNH2. Other variant(s) that disrupt this residue have been observed in individuals with KCNH2-related conditions (PMID: 22314138, 26746457), which suggests that this may be a clinically significant amino acid residue. In summary, the available evidence is currently insufficient to determine the role of this variant in disease. Therefore, it has been classified as a Variant of Uncertain Significance.

Color Diagnostics, LLC DBA Color Health
Classification: Uncertain significance for Cardiac arrhythmia. Last evaluated: 2025-08-04. Review status: criteria provided, single submitter. Criteria: ACMG Guidelines, 2015. Collection method: clinical testing. Allele origin: germline.
Comment: This missense variant replaces arginine with glycine at codon 744 of the KCNH2 protein. Computational prediction is inconclusive regarding the impact of this variant on protein structure and function. To our knowledge, functional studies have not been reported for this variant. This variant has not been reported in individuals affected with KCNH2-related disorders in the literature. This variant has been identified in 4/249862 chromosomes in the general population by the Genome Aggregation Database (gnomAD). The available evidence is insufficient to determine the role of this variant in disease conclusively. Therefore, this variant is classified as a Variant of Uncertain Significance.

Literature cited by the submitters: PubMed 22314138 (cited by Labcorp Genetics (formerly Invitae), Labcorp); PubMed 26746457 (cited by Labcorp Genetics (formerly Invitae), Labcorp).